The following is an entry in ClinVar:

NM_006206.6(PDGFRA):c.2926G>C (p.Ala976Pro)

Gene: PDGFRA (platelet derived growth factor receptor alpha; plus strand). Cytogenetic location: 4q12.
Variant type: single nucleotide variant.
Coding change: c.2926G>C on transcript NM_006206.6 (MANE Select); coding-DNA position 2926, G replaced by C.
Protein change: p.Ala976Pro; replaces alanine 976 with proline.
Molecular consequence: missense variant.
Genome position (GRCh38, 1-based): chr4:54,290,358, G>C. VCF-style: chr4-54290358-G-C. GRCh37 (hg19) VCF-style: chr4-55156525-G-C.
Other names: c.3001G>C, p.Ala1001Pro (NM_001347828.2); c.2926G>C, p.Ala976Pro (NM_001347829.2); c.2965G>C, p.Ala989Pro (NM_001347830.2); short protein forms A1001P, A976P, A989P.
Identifiers: ClinVar variation 1064295 (VCV001064295.7), dbSNP rs1007954435, ClinGen allele CA96830097.

ClinVar aggregate classification (germline): Uncertain significance (1 of 4 stars; one submission).

Conditions:
Gastrointestinal stromal tumor. Also called: Gastrointestinal stromal tumor, somatic; Gastrointestinal stroma tumor. Identifiers: Orphanet 44890, MedGen C0238198, MeSH D046152, MONDO:0011719, OMIM 606764, HP:0100723.

Allele frequency attached by ClinVar (database versions not stated): TOPMed below 0.00001.

Submission:

Labcorp Genetics (formerly Invitae), Labcorp
Classification: Uncertain significance for Gastrointestinal stromal tumor. Last evaluated: 2025-03-15. Review status: criteria provided, single submitter. Criteria: Invitae Variant Classification Sherloc (09022015). Collection method: clinical testing. Allele origin: germline.
Comment: This sequence change replaces alanine, which is neutral and non-polar, with proline, which is neutral and non-polar, at codon 976 of the PDGFRA protein (p.Ala976Pro). This variant is not present in population databases (gnomAD no frequency). This variant has not been reported in the literature in individuals affected with PDGFRA-related conditions. ClinVar contains an entry for this variant (Variation ID: 1064295). Invitae Evidence Modeling of protein sequence and biophysical properties (such as structural, functional, and spatial information, amino acid conservation, physicochemical variation, residue mobility, and thermodynamic stability) has been performed for this missense variant. However, the output from this modeling did not meet the statistical confidence thresholds required to predict the impact of this variant on PDGFRA protein function. In summary, the available evidence is currently insufficient to determine the role of this variant in disease. Therefore, it has been classified as a Variant of Uncertain Significance.